The following is an entry in ClinVar:

NM_032119.4(ADGRV1):c.10142A>G (p.Asp3381Gly)

Gene: ADGRV1 (adhesion G protein-coupled receptor V1; plus strand). Cytogenetic location: 5q14.3.
Variant type: single nucleotide variant.
Coding change: c.10142A>G on transcript NM_032119.4 (MANE Select); coding-DNA position 10142, A replaced by G.
Protein change: p.Asp3381Gly; replaces aspartic acid 3381 with glycine.
Molecular consequence: missense variant. On other transcripts: non-coding transcript variant (1).
Genome position (GRCh38, 1-based): chr5:90,725,637, A>G. VCF-style: chr5-90725637-A-G. GRCh37 (hg19) VCF-style: chr5-90021454-A-G.
Other names: c.10142A>G (NM_032119.3); short protein forms D3381G.
Identifiers: ClinVar variation 1508170 (VCV001508170.33), dbSNP rs768784845, ClinGen allele CA3340673.

ClinVar aggregate classification (germline): Conflicting classifications of pathogenicity. Review status: criteria provided, conflicting classifications (1 of 4 stars). 5 submissions from 5 submitters: Uncertain significance (4); Likely benign (1). Last evaluated 2026-01-30.

Conditions:
Inborn genetic diseases. Identifiers: MedGen C0950123, MeSH D030342.
ADGRV1-related disorder. Also called: ADGRV1-related condition; ADGRV1-related disorders.

Allele frequency attached by ClinVar (database versions not stated): gnomAD exomes below 0.00001 and 0.00002; ExAC 0.00001.
gnomAD v4.1: 7 of 1,544,496 alleles (0.00045%); highest among the groups gnomAD compares: Middle Eastern, 0.017%; no homozygotes.

Submissions (5):

PreventionGenetics, part of Exact Sciences
Classification: Uncertain significance for ADGRV1-related condition. Last evaluated: 2026-01-30. Review status: criteria provided, single submitter. Criteria: ACMG Guidelines, 2015. Collection method: clinical testing. Allele origin: germline.
Comment: The ADGRV1 c.10142A>G variant is predicted to result in the amino acid substitution p.Asp3381Gly. To our knowledge, this variant has not been reported in the literature. This variant is reported in 0.0027% of alleles in individuals of European (Non-Finnish) descent in gnomAD. At this time, the clinical significance of this variant is uncertain due to the absence of conclusive functional and genetic evidence.

Ambry Genetics
Classification: Uncertain significance for Inborn genetic diseases. Last evaluated: 2025-02-20. Review status: criteria provided, single submitter. Criteria: Ambry Variant Classification Scheme 2023. Collection method: clinical testing. Allele origin: germline.

Blueprint Genetics
Classification: Uncertain significance. Last evaluated: 2024-10-16. Review status: criteria provided, single submitter. Criteria: ACMG Guidelines, 2015. Collection method: clinical testing. Allele origin: germline.

Labcorp Genetics (formerly Invitae), Labcorp
Classification: Likely benign. Last evaluated: 2024-02-13. Review status: criteria provided, single submitter. Criteria: Invitae Variant Classification Sherloc (09022015). Collection method: clinical testing. Allele origin: germline.

CeGaT Center for Human Genetics Tuebingen
Classification: Uncertain significance. Last evaluated: 2023-11-01. Review status: criteria provided, single submitter. Criteria: CeGaT Center For Human Genetics Tuebingen Variant Classification Criteria Version 2. Collection method: clinical testing. Allele origin: germline. Affected: yes. Observed: 1 variant allele.
Comment: ADGRV1: PM2, BP4